The following is an entry in ClinVar:

ClinVar aggregate classification (germline): Benign/Likely benign. Review status: criteria provided, multiple submitters, no conflicts (2 of 4 stars). 3 submissions from 3 submitters: Benign (2); Likely benign (1). Last evaluated 2026-03-30.

Conditions:
NOD2-related disorder. Also called: NOD2-related condition.
Blau syndrome (BLAUS). Also called: JABS SYNDROME; ARTHROCUTANEOUVEAL GRANULOMATOSIS; GRANULOMATOSIS, FAMILIAL JUVENILE SYSTEMIC; GRANULOMATOSIS, FAMILIAL, BLAU TYPE; GRANULOMATOUS INFLAMMATORY ARTHRITIS, DERMATITIS, AND UVEITIS, FAMILIAL. Identifiers: Orphanet 90340, MedGen C5201146, MONDO:0008523, OMIM 186580.
Regional enteritis. Also called: Enteritis, Granulomatous. Identifiers: MedGen C0678202, MeSH D003424.

Allele frequency attached by ClinVar (database versions not stated): gnomAD 0.00013 and 0.00012; TOPMed 0.00017; ExAC 0.00026; gnomAD exomes 0.00027 and 0.00008; 1000 Genomes Project 30x 0.00031; 1000 Genomes Project 0.00040.
gnomAD v4.1: 140 of 1,614,200 alleles (0.0087%); highest among the groups gnomAD compares: Admixed American, 0.067%; 1 homozygote.

Submissions (3):

Women's Health and Genetics/Laboratory Corporation of America, LabCorp
Classification: Benign. Last evaluated: 2026-03-30. Review status: criteria provided, single submitter. Criteria: LabCorp Variant Classification Summary - May 2015. Collection method: clinical testing. Allele origin: germline.

Labcorp Genetics (formerly Invitae), Labcorp
Classification: Benign for Regional enteritis; Blau syndrome. Last evaluated: 2025-12-08. Review status: criteria provided, single submitter. Criteria: Invitae Variant Classification Sherloc (09022015). Collection method: clinical testing. Allele origin: germline.

PreventionGenetics, part of Exact Sciences
Classification: Likely benign for NOD2-related condition. Last evaluated: 2025-07-11. Review status: criteria provided, single submitter. Criteria: ACMG Guidelines, 2015. Collection method: clinical testing. Allele origin: germline.
Comment: This variant is classified as likely benign based on ACMG/AMP sequence variant interpretation guidelines (Richards et al. 2015 PMID: 25741868, with internal and published modifications).

NM_001370466.1(NOD2):c.1113C>T (p.Thr371=)

Gene: NOD2 (nucleotide binding oligomerization domain containing 2; plus strand). Cytogenetic location: 16q12.1.
Variant type: single nucleotide variant.
Coding change: c.1113C>T on transcript NM_001370466.1 (MANE Select); coding-DNA position 1113, C replaced by T.
Protein change: p.Thr371=; no amino-acid change (threonine 371 retained).
Molecular consequence: synonymous variant. On other transcripts: non-coding transcript variant (1).
Genome position (GRCh38, 1-based): chr16:50,711,105, C>T. VCF-style: chr16-50711105-C-T. GRCh37 (hg19) VCF-style: chr16-50745016-C-T.
Other names: c.1113C>T, p.Thr371= (NM_001293557.2); c.1194C>T, p.Thr398= (NM_022162.3).
Identifiers: ClinVar variation 749264 (VCV000749264.12), dbSNP rs5743273, ClinGen allele CA8051490.